The following is an entry in ClinVar:

ClinVar aggregate classification (germline): Conflicting classifications of pathogenicity. Review status: criteria provided, conflicting classifications (1 of 4 stars). 2 submissions from 2 submitters: Uncertain significance (1); Likely benign (1). Last evaluated 2025-01-26.

Conditions:
Melanoma, cutaneous malignant, susceptibility to, 5. Also called: Cutaneous malignant melanoma 5. Identifiers: Orphanet 618, MedGen C2751295, MONDO:0013133, OMIM 613099.

Submissions (2):

Ambry Genetics
Classification: Likely benign. Last evaluated: 2025-01-26. Review status: criteria provided, single submitter. Criteria: Ambry Variant Classification Scheme 2023. Collection method: clinical testing. Allele origin: germline.

Labcorp Genetics (formerly Invitae), Labcorp
Classification: Uncertain significance for Melanoma, cutaneous malignant, susceptibility to, 5. Last evaluated: 2025-01-22. Review status: criteria provided, single submitter. Criteria: Invitae Variant Classification Sherloc (09022015). Collection method: clinical testing. Allele origin: germline.
Comment: This sequence change affects codon 206 of the MC1R mRNA. It is a 'silent' change, meaning that it does not change the encoded amino acid sequence of the MC1R protein. This variant is not present in population databases (gnomAD no frequency). This variant has not been reported in the literature in individuals affected with MC1R-related conditions. In summary, the available evidence is currently insufficient to determine the role of this variant in disease. Therefore, it has been classified as a Variant of Uncertain Significance.

NM_002386.4(MC1R):c.616C>T (p.Leu206=)

Gene: MC1R (melanocortin 1 receptor; plus strand). Cytogenetic location: 16q24.3.
Variant type: single nucleotide variant.
Coding change: c.616C>T on transcript NM_002386.4 (MANE Select); coding-DNA position 616, C replaced by T.
Protein change: p.Leu206=; no amino-acid change (leucine 206 retained).
Molecular consequence: synonymous variant.
Genome position (GRCh38, 1-based): chr16:89,919,874, C>T. VCF-style: chr16-89919874-C-T. GRCh37 (hg19) VCF-style: chr16-89986282-C-T.
Other names: c.616C>T (NM_002386.3).
Identifiers: ClinVar variation 3713046 (VCV003713046.3).